The following is an entry in ClinVar:

NM_007294.4(BRCA1):c.5194-1179G>T

Gene: BRCA1 (BRCA1 DNA repair associated; minus strand). Cytogenetic location: 17q21.31.
Variant type: single nucleotide variant.
Coding change: c.5194-1179G>T on transcript NM_007294.4 (MANE Select); 1179 bases into the intron before coding-DNA position 5194, G replaced by T.
Molecular consequence: intron variant.
Genome position (GRCh38, 1-based): chr17:43,058,314, C>A on the plus strand (G>T on the coding strand, the complement: BRCA1 is on the minus strand). VCF-style: chr17-43058314-C-A. GRCh37 (hg19) VCF-style: chr17-41210331-C-A.
Other names: IVS 19-1179G>T; c.5068-1179G>T (NM_001407940.1, NM_001407671.1, NM_001407676.1 and 10 more transcripts); c.5134-1179G>T (NM_001407649.1); c.1879-1179G>T (NM_001408401.1, NM_001408396.1, NM_001408404.1 and 8 more transcripts); c.1882-1179G>T (NM_001407985.1, NM_001408472.1, NM_001407990.1 and 12 more transcripts); c.5185-1179G>T (NM_001407644.1, NM_001407645.1); c.5188-1179G>T (NM_001407627.1, NM_001407861.1, NM_001407635.1 and 14 more transcripts); c.5191-1179G>T (NM_001407614.1, NM_001407626.1, NM_001407617.1 and 17 more transcripts); and 73 more.
Identifiers: ClinVar variation 209294 (VCV000209294.2), dbSNP rs8066171, ClinGen allele CA276266.

ClinVar aggregate classification (germline): Benign (3 of 4 stars; one submission).

Conditions:
Breast-ovarian cancer, familial, susceptibility to, 1 (BROVCA1). Also called: BRCA1 Hereditary Breast and Ovarian Cancer; OVARIAN CANCER, SUSCEPTIBILITY TO. Identifiers: Orphanet 145, MedGen C2676676, MONDO:0011450, OMIM 604370. Disease mechanism: loss of function.

Allele frequency attached by ClinVar (database versions not stated): gnomAD 0.03641 and 0.03914; 1000 Genomes Project 0.04233; TOPMed 0.04249; 1000 Genomes Project 30x 0.04591.

Submission:

Evidence-based Network for the Interpretation of Germline Mutant Alleles (ENIGMA)
Classification: Benign for Breast-ovarian cancer, familial 1. Last evaluated: 2015-01-12. Review status: reviewed by expert panel. Criteria: ENIGMA BRCA1/2 Classification Criteria (2015). Collection method: curation. Allele origin: germline.
Comment: Class 1 not pathogenic based on frequency >1% in an outbred sampleset. Frequency 0.1484 (African), derived from 1000 genomes (2012-04-30).